The following is an entry in ClinVar:

NM_005751.5(AKAP9):c.8183C>T (p.Ser2728Phe)

Gene: AKAP9 (A-kinase anchoring protein 9; plus strand). Cytogenetic location: 7q21.2.
Variant type: single nucleotide variant.
Coding change: c.8183C>T on transcript NM_005751.5 (MANE Select); coding-DNA position 8183, C replaced by T.
Protein change: p.Ser2728Phe; replaces serine 2728 with phenylalanine.
Molecular consequence: missense variant.
Genome position (GRCh38, 1-based): chr7:92,083,192, C>T. VCF-style: chr7-92083192-C-T. GRCh37 (hg19) VCF-style: chr7-91712506-C-T.
Other names: c.2828C>T, p.Ser943Phe (NM_001379277.1); c.8159C>T, p.Ser2720Phe (NM_147185.3); short protein forms S2720F, S2728F, S943F.
Identifiers: ClinVar variation 1762322 (VCV001762322.2), dbSNP rs770325011, ClinGen allele CA4337447.

ClinVar aggregate classification (germline): Uncertain significance (1 of 4 stars; one submission).

Conditions:
Cardiovascular phenotype. Identifiers: MedGen CN230736.

Allele frequency attached by ClinVar (database versions not stated): gnomAD exomes below 0.00001; ExAC 0.00001.
gnomAD v4.1: 6 of 1,613,962 alleles (0.00037%); highest among the groups gnomAD compares: Non-Finnish European, 0.00042%; no homozygotes.

Submission:

Ambry Genetics
Classification: Uncertain significance for Cardiovascular phenotype. Last evaluated: 2018-07-07. Review status: criteria provided, single submitter. Criteria: Ambry Variant Classification Scheme 2023. Collection method: clinical testing. Allele origin: germline.
Comment: The p.S2728F variant (also known as c.8183C>T), located in coding exon 33 of the AKAP9 gene, results from a C to T substitution at nucleotide position 8183. The serine at codon 2728 is replaced by phenylalanine, an amino acid with highly dissimilar properties. This amino acid position is poorly conserved in available vertebrate species, and phenylalanine is the reference amino acid in other vertebrate species. In addition, this alteration is predicted to be tolerated by in silico analysis. Since supporting evidence is limited at this time, the clinical significance of this alteration remains unclear.